The following is an entry in ClinVar:

ClinVar aggregate classification (germline): Uncertain significance (1 of 4 stars; one submission).

Conditions:
Immunodeficiency, common variable, 7. Identifiers: Orphanet 1572, Orphanet 696894, MedGen C3542922, MONDO:0013862, OMIM 614699.

Allele frequency attached by ClinVar (database versions not stated): gnomAD exomes 0.00001.
gnomAD v4.1: 5 of 1,614,082 alleles (0.00031%); highest among the groups gnomAD compares: South Asian, 0.0011%; no homozygotes.

Submission:

Labcorp Genetics (formerly Invitae), Labcorp
Classification: Uncertain significance for Immunodeficiency, common variable, 7. Last evaluated: 2025-01-13. Review status: criteria provided, single submitter. Criteria: Invitae Variant Classification Sherloc (09022015). Collection method: clinical testing. Allele origin: germline.
Comment: This sequence change replaces isoleucine, which is neutral and non-polar, with threonine, which is neutral and polar, at codon 569 of the CR2 protein (p.Ile569Thr). This variant is not present in population databases (gnomAD no frequency). This variant has not been reported in the literature in individuals affected with CR2-related conditions. ClinVar contains an entry for this variant (Variation ID: 2009208). An algorithm developed to predict the effect of missense changes on protein structure and function outputs the following: PolyPhen-2: "Benign". The threonine amino acid residue is found in multiple mammalian species, which suggests that this missense change does not adversely affect protein function. In summary, the available evidence is currently insufficient to determine the role of this variant in disease. Therefore, it has been classified as a Variant of Uncertain Significance.

NM_001006658.3(CR2):c.1706T>C (p.Ile569Thr)

Gene: CR2 (complement C3d receptor 2; plus strand). Cytogenetic location: 1q32.2.
Variant type: single nucleotide variant.
Coding change: c.1706T>C on transcript NM_001006658.3 (MANE Select); coding-DNA position 1706, T replaced by C.
Protein change: p.Ile569Thr; replaces isoleucine 569 with threonine.
Molecular consequence: missense variant.
Genome position (GRCh38, 1-based): chr1:207,472,907, T>C. VCF-style: chr1-207472907-T-C. GRCh37 (hg19) VCF-style: chr1-207646252-T-C.
Other names: c.1706T>C, p.Ile569Thr (NM_001877.5); short protein forms I569T.
Identifiers: ClinVar variation 2009208 (VCV002009208.4), dbSNP rs2527222036, ClinGen allele CA344534053.
Genomic context (GRCh38, chr1:207,472,907, plus strand): 5'-GAACCACGGTCACTTACACATGTAACCCTGGGCCAGAAAGAGGAGTGGAATTCAGCCTCA[T>C]TGGAGAGAGCACCATCCGTTGTACAAGCAATGATCAAGAAAGAGGCACCTGGAGTGGCCC-3'
Protein context (NP_001006659.1, residues 559-579): GPERGVEFSL[Ile569Thr]GESTIRCTSN